The following is an entry in ClinVar:

NM_000693.4(ALDH1A3):c.1293A>G (p.Arg431=)

Genes: ALDH1A3-AS1 (ALDH1A3 antisense RNA 1; minus strand), ALDH1A3 (aldehyde dehydrogenase 1 family member A3; plus strand). Cytogenetic location: 15q26.3.
Variant type: single nucleotide variant.
Coding change: c.1293A>G on transcript NM_000693.4 (MANE Select); coding-DNA position 1293, A replaced by G.
Protein change: p.Arg431=; no amino-acid change (arginine 431 retained).
Molecular consequence: synonymous variant.
Genome position (GRCh38, 1-based): chr15:100,907,180, A>G. VCF-style: chr15-100907180-A-G. GRCh37 (hg19) VCF-style: chr15-101447385-A-G.
Other names: c.972A>G, p.Arg324= (NM_001293815.2).
Identifiers: ClinVar variation 712774 (VCV000712774.9), dbSNP rs767447083, ClinGen allele CA7760341.

ClinVar aggregate classification (germline): Likely benign. Review status: criteria provided, multiple submitters, no conflicts (2 of 4 stars). 2 submissions from 2 submitters: Likely benign (2). Last evaluated 2025-03-27.

Conditions:
Isolated microphthalmia 8. Identifiers: Orphanet 2542, MedGen C3554524, MONDO:0014050, OMIM 615113.
ALDH1A3-related disorder. Also called: ALDH1A3-related condition.

Allele frequency attached by ClinVar (database versions not stated): ExAC 0.00005; gnomAD exomes 0.00007 and 0.00014; gnomAD 0.00009; TOPMed 0.00011.
gnomAD v4.1: 215 of 1,614,098 alleles (0.013%); highest among the groups gnomAD compares: Non-Finnish European, 0.017%; no homozygotes.

Submissions (2):

PreventionGenetics, part of Exact Sciences
Classification: Likely benign for ALDH1A3-related condition. Last evaluated: 2025-03-27. Review status: criteria provided, single submitter. Criteria: ACMG Guidelines, 2015. Collection method: clinical testing. Allele origin: germline.
Comment: This variant is classified as likely benign based on ACMG/AMP sequence variant interpretation guidelines (Richards et al. 2015 PMID: 25741868, with internal and published modifications).

Labcorp Genetics (formerly Invitae), Labcorp
Classification: Likely benign for Isolated microphthalmia 8. Last evaluated: 2022-04-21. Review status: criteria provided, single submitter. Criteria: Invitae Variant Classification Sherloc (09022015). Collection method: clinical testing. Allele origin: germline.